The following is an entry in ClinVar:

ClinVar aggregate classification (germline): Uncertain significance (1 of 4 stars; one submission).

gnomAD v4.1: 2 of 1,611,688 alleles (0.00012%); highest among the groups gnomAD compares: Middle Eastern, 0.017%; no homozygotes.

Submission:

Labcorp Genetics (formerly Invitae), Labcorp
Classification: Uncertain significance. Last evaluated: 2020-08-05. Review status: criteria provided, single submitter. Criteria: Invitae Variant Classification Sherloc (09022015). Collection method: clinical testing. Allele origin: germline.
Comment: This variant has not been reported in the literature in individuals with PDE6B-related conditions. This sequence change replaces phenylalanine with leucine at codon 777 of the PDE6B protein (p.Phe777Leu). The phenylalanine residue is highly conserved and there is a small physicochemical difference between phenylalanine and leucine. This variant is not present in population databases (ExAC no frequency). Algorithms developed to predict the effect of missense changes on protein structure and function are either unavailable or do not agree on the potential impact of this missense change (SIFT: "Tolerated"; PolyPhen-2: "Probably Damaging"; Align-GVGD: "Class C0"). Algorithms developed to predict the effect of sequence changes on RNA splicing suggest that this variant may create or strengthen a splice site, but this prediction has not been confirmed by published transcriptional studies. In summary, the available evidence is currently insufficient to determine the role of this variant in disease. Therefore, it has been classified as a Variant of Uncertain Significance.

NM_000283.4(PDE6B):c.2331C>A (p.Phe777Leu)

Gene: PDE6B (phosphodiesterase 6B; plus strand). Cytogenetic location: 4p16.3.
Variant type: single nucleotide variant.
Coding change: c.2331C>A on transcript NM_000283.4 (MANE Select); coding-DNA position 2331, C replaced by A.
Protein change: p.Phe777Leu; replaces phenylalanine 777 with leucine.
Molecular consequence: missense variant.
Genome position (GRCh38, 1-based): chr4:666,593, C>A. VCF-style: chr4-666593-C-A. GRCh37 (hg19) VCF-style: chr4-660382-C-A.
Other names: c.2331C>A, p.Phe777Leu (NM_001145291.2); c.1494C>A, p.Phe498Leu (NM_001145292.2, NM_001350154.3, NM_001379246.1 and 1 more transcripts); c.1176C>A, p.Phe392Leu (NM_001350155.3); short protein forms F392L, F498L, F777L.
Identifiers: ClinVar variation 1021503 (VCV001021503.8), dbSNP rs35792756, ClinGen allele CA355920319.